The following is an entry in ClinVar:

NM_001190787.3(MCIDAS):c.68T>C (p.Leu23Pro)

Genes: MCIDAS (multiciliate differentiation and DNA synthesis associated cell cycle protein; minus strand), LOC129993892 (ATAC-STARR-seq lymphoblastoid silent region 16010; plus strand). Cytogenetic location: 5q11.2.
Variant type: single nucleotide variant.
Coding change: c.68T>C on transcript NM_001190787.3 (MANE Select); coding-DNA position 68, T replaced by C.
Protein change: p.Leu23Pro; replaces leucine 23 with proline.
Molecular consequence: missense variant.
Genome position (GRCh38, 1-based): chr5:55,227,071, A>G on the plus strand (T>C on the coding strand, the complement: MCIDAS is on the minus strand). VCF-style: chr5-55227071-A-G. GRCh37 (hg19) VCF-style: chr5-54522899-A-G.
Other names: short protein forms L23P.
Identifiers: ClinVar variation 2078614 (VCV002078614.4), dbSNP rs1394102512, ClinGen allele CA359734630.
Genomic context (GRCh38, chr5:55,227,071, plus strand): 5'-CGCCCCACCTTCCTCTCCGGCTTCCCCGGCTTGCAGAGCAGCGCCCGGCCCGGCAGTGCC[A>G]GCATTCTGTTGGGGCAGATGCTGTCGAAGGCCCGACGGCCGGCCGCGCCGCCCCCGCACG-3'
Protein context (NP_001177716.1, residues 13-33): AFDSICPNRM[Leu23Pro]ALPGRALLCK

ClinVar aggregate classification (germline): Uncertain significance (1 of 4 stars; one submission).

Conditions:
Primary ciliary dyskinesia. Also called: Ciliary dyskinesia. Identifiers: Orphanet 244, MedGen C0008780, MONDO:0016575, HP:0012265.

Submission:

Labcorp Genetics (formerly Invitae), Labcorp
Classification: Uncertain significance for Primary ciliary dyskinesia. Last evaluated: 2022-07-12. Review status: criteria provided, single submitter. Criteria: Invitae Variant Classification Sherloc (09022015). Collection method: clinical testing. Allele origin: germline.
Comment: Algorithms developed to predict the effect of missense changes on protein structure and function are either unavailable or do not agree on the potential impact of this missense change (SIFT: "Tolerated"; PolyPhen-2: "Possibly Damaging"; Align-GVGD: "Class C0"). In summary, the available evidence is currently insufficient to determine the role of this variant in disease. Therefore, it has been classified as a Variant of Uncertain Significance. This variant has not been reported in the literature in individuals affected with MCIDAS-related conditions. This variant is not present in population databases (gnomAD no frequency). This sequence change replaces leucine, which is neutral and non-polar, with proline, which is neutral and non-polar, at codon 23 of the MCIDAS protein (p.Leu23Pro).